The following is an entry in ClinVar:

ClinVar aggregate classification (germline): Uncertain significance. Review status: criteria provided, multiple submitters, no conflicts (2 of 4 stars). 3 submissions from 3 submitters: Uncertain significance (2). 1 of the submissions does not count toward it. Last evaluated 2021-11-11.

Conditions:
GNAS-related disorder. Identifiers: MedGen CN380105.
Pseudohypoparathyroidism type 1C (PHP1C). Also called: Pseudohypoparathyroidism Ic (PHP-Ic); PSEUDOHYPOPARATHYROIDISM, TYPE IC; PHP IC. Identifiers: Orphanet 79444, MedGen C2932716, MONDO:0012911, OMIM 612462.
Progressive osseous heteroplasia (POH). Also called: Progressive Osseus Heteroplasia (POH); Osseus Heteroplasia, Progressive; ECTOPIC OSSIFICATION, FAMILIAL; Osteoma cutis. Identifiers: Orphanet 2762, MedGen C0334041, MONDO:0008153, OMIM 166350, HP:0025027.
Pseudohypoparathyroidism type 1B (PHP1B). Also called: Pseudohypoparathyroidism Ib (PHP-Ib); PHP IB; Pseudohypoparathyroidism Type IB. Identifiers: Orphanet 94089, MedGen C1864100, MONDO:0011301, OMIM 603233.
Pituitary adenoma 3, multiple types. Also called: PITUITARY ADENOMA 3, ACTH-SECRETING, SOMATIC; PITUITARY ADENOMA 3, GROWTH HORMONE-SECRETING, SOMATIC. Identifiers: MedGen C4540135, MONDO:0054665, OMIM 617686.
Pseudohypoparathyroidism type I A (PHP1A). Also called: Pseudohypoparathyroidism Ia (PHP-Ia); Pseudohypoparathyroidism Type IA; ALBRIGHT HEREDITARY OSTEODYSTROPHY WITH MULTIPLE HORMONE RESISTANCE; PHP IA; Pseudohypoparathyroidism type 1A. Identifiers: Orphanet 79443, MedGen C3494506, MONDO:0007078, OMIM 103580.
Pseudopseudohypoparathyroidism (PPHP). Also called: Pseudopseudohypoparathyroidism (PPHP); ALBRIGHT HEREDITARY OSTEODYSTROPHY WITHOUT MULTIPLE HORMONE RESISTANCE. Identifiers: Orphanet 79445, MedGen C0033835, MONDO:0012912, OMIM 612463.
ACTH-independent macronodular adrenal hyperplasia 1 (AIMAH1). Also called: ACTH-independent macronodular adrenal hyperplasia, somatic; CORTICOTROPIN-INDEPENDENT MACRONODULAR ADRENAL HYPERPLASIA; ACTH-INDEPENDENT MACRONODULAR ADRENOCORTICAL HYPERPLASIA; CUSHING SYNDROME, ADRENAL, DUE TO AIMAH; ADRENOCORTICOTROPIC HORMONE-INDEPENDENT MACRONODULAR ADRENAL HYPERPLASIA. Identifiers: MedGen C1857451, MONDO:0020735, OMIM 219080.
McCune-Albright syndrome (MAS). Also called: ALBRIGHT SYNDROME; Albright's Syndrome; Albright's disease; Fibrous Dysplasia / McCune-Albright Syndrome; McCune-Albright syndrome, somatic, mosaic. Identifiers: Orphanet 562, MedGen C0242292, MONDO:0018919, OMIM 174800.

Allele frequency attached by ClinVar (database versions not stated): ExAC 0.00004.
gnomAD v4.1: 22 of 1,566,214 alleles (0.0014%); highest among the groups gnomAD compares: African/African-American, 0.025%; no homozygotes.

Submissions (3):

Fulgent Genetics
Classification: Uncertain significance for Pseudohypoparathyroidism type I A; Progressive osseous heteroplasia; McCune-Albright syndrome; ACTH-independent macronodular adrenal hyperplasia 1; Pseudohypoparathyroidism type 1B; Pseudohypoparathyroidism type 1C; Pseudopseudohypoparathyroidism; Pituitary adenoma 3, multiple types. Last evaluated: 2021-11-11. Review status: criteria provided, single submitter. Criteria: ACMG Guidelines, 2015. Collection method: clinical testing. Allele origin: unknown.

New York Genome Center
Classification: Uncertain significance. Last evaluated: 2020-07-02. Review status: criteria provided, single submitter. Criteria: NYGC Assertion Criteria 2020. Collection method: clinical testing. Allele origin: germline. Observed: 1 heterozygote. Study: CSER-NYCKidSeq.

PreventionGenetics, part of Exact Sciences
Classification: Uncertain significance for GNAS-related condition. Last evaluated: 2024-08-01. Review status: no assertion criteria provided. Collection method: clinical testing. Allele origin: germline. Not counted in ClinVar's aggregate classification.
Comment: The GNAS c.1130G>T variant is predicted to result in the amino acid substitution p.Gly377Val. In the alternative transcript of this gene (NM_000516.7), this variant is pre-coding (c.-37332G>T). To our knowledge, this variant has not been reported in the literature. This variant is reported in 0.023% of alleles in individuals of African descent in gnomAD, which may be too common to be an unreported primary cause of disease. Although we suspect this variant may be benign, the clinical significance of this variant is currently classified as uncertain due to the absence of conclusive functional and genetic evidence.

NM_080425.4(GNAS):c.1130G>T (p.Gly377Val)

Gene: GNAS (GNAS complex locus; plus strand). Cytogenetic location: 20q13.32.
Variant type: single nucleotide variant.
Coding change: c.1130G>T on transcript NM_080425.4 (MANE Plus Clinical); coding-DNA position 1130, G replaced by T.
Protein change: p.Gly377Val; replaces glycine 377 with valine.
Molecular consequence: missense variant. On other transcripts: intron variant (3).
Genome position (GRCh38, 1-based): chr20:58,854,395, G>T. VCF-style: chr20-58854395-G-T. GRCh37 (hg19) VCF-style: chr20-57429450-G-T.
Other names: c.943G>T, p.Gly315Cys (NM_001077490.3, NM_001309883.1); c.1130G>T, p.Gly377Val (NM_001410913.1); c.*42+13509G>T (NM_016592.5); c.43+13509G>T (NM_001410912.1); c.-39+12520G>T (NM_001309861.2); short protein forms G315C, G377V.
Identifiers: ClinVar variation 1098700 (VCV001098700.5), dbSNP rs778121381, ClinGen allele CA9926629.